The following is an entry in ClinVar:

NM_004415.4(DSP):c.5512C>G (p.Arg1838Gly)

Gene: DSP (desmoplakin; plus strand). Cytogenetic location: 6p24.3.
Variant type: single nucleotide variant.
Coding change: c.5512C>G on transcript NM_004415.4 (MANE Select); coding-DNA position 5512, C replaced by G.
Protein change: p.Arg1838Gly; replaces arginine 1838 with glycine.
Molecular consequence: missense variant.
Genome position (GRCh38, 1-based): chr6:7,582,774, C>G. VCF-style: chr6-7582774-C-G. GRCh37 (hg19) VCF-style: chr6-7583007-C-G.
Other names: c.3715C>G, p.Arg1239Gly (NM_001008844.3); c.4183C>G, p.Arg1395Gly (NM_001319034.2); short protein forms R1395G, R1838G, R1239G.
Identifiers: ClinVar variation 1748046 (VCV001748046.2), dbSNP rs756481791, ClinGen allele CA362688789.

ClinVar aggregate classification (germline): Uncertain significance (1 of 4 stars; one submission).

Conditions:
Cardiovascular phenotype. Identifiers: MedGen CN230736.

Submission:

Ambry Genetics
Classification: Uncertain significance for Cardiovascular phenotype. Last evaluated: 2021-12-24. Review status: criteria provided, single submitter. Criteria: Ambry Variant Classification Scheme 2023. Collection method: clinical testing. Allele origin: germline.
Comment: The p.R1838G variant (also known as c.5512C>G), located in coding exon 24 of the DSP gene, results from a C to G substitution at nucleotide position 5512. The arginine at codon 1838 is replaced by glycine, an amino acid with dissimilar properties. This amino acid position is conserved. In addition, this alteration is predicted to be tolerated by in silico analysis. Since supporting evidence is limited at this time, the clinical significance of this alteration remains unclear.